The following is an entry in ClinVar:

ClinVar aggregate classification (germline): Likely benign (0 of 4 stars; one submission).

Conditions:
NCOR2-related disorder. Also called: NCOR2-related condition.

Allele frequency attached by ClinVar (database versions not stated): ExAC 0.00033; ESP Exome Variant Server 0.00041; gnomAD 0.00094; TOPMed 0.00101; 1000 Genomes Project 0.00160; 1000 Genomes Project 30x 0.00172.
gnomAD v4.1: 456 of 1,585,102 alleles (0.029%); highest among the groups gnomAD compares: African/African-American, 0.22%; no homozygotes.

Submission:

PreventionGenetics, part of Exact Sciences
Classification: Likely benign for NCOR2-related condition. Last evaluated: 2019-03-14. Review status: no assertion criteria provided. Collection method: clinical testing. Allele origin: germline.
Comment: This variant is classified as likely benign based on ACMG/AMP sequence variant interpretation guidelines (Richards et al. 2015 PMID: 25741868, with internal and published modifications).

NM_006312.6(NCOR2):c.2574C>T (p.Ala858=)

Gene: NCOR2 (nuclear receptor corepressor 2; minus strand). Cytogenetic location: 12q24.31.
Variant type: single nucleotide variant.
Coding change: c.2574C>T on transcript NM_006312.6 (MANE Select); coding-DNA position 2574, C replaced by T.
Protein change: p.Ala858=; no amino-acid change (alanine 858 retained).
Molecular consequence: synonymous variant.
Genome position (GRCh38, 1-based): chr12:124,372,255, G>A on the plus strand (C>T on the coding strand, the complement: NCOR2 is on the minus strand). VCF-style: chr12-124372255-G-A. GRCh37 (hg19) VCF-style: chr12-124856801-G-A.
Other names: c.2520C>T, p.Ala840= (NM_001077261.4, NM_001206654.2).
Identifiers: ClinVar variation 3041968 (VCV003041968.2), dbSNP rs191065620, ClinGen allele CA6869023.